The following is an entry in ClinVar:

ClinVar aggregate classification (germline): Benign (0 of 4 stars; one submission).

Conditions:
WIPI2-related disorder. Also called: WIPI2-related condition.

Allele frequency attached by ClinVar (database versions not stated): 1000 Genomes Project 0.04732; 1000 Genomes Project 30x 0.04825; gnomAD 0.08055; ExAC 0.08425; TOPMed 0.08692; ESP Exome Variant Server 0.09342; gnomAD exomes 0.11293.
gnomAD v4.1: 177,479 of 1,613,952 alleles (11%); highest among the groups gnomAD compares: Middle Eastern, 13%; 11,186 homozygotes.

Submission:

PreventionGenetics, part of Exact Sciences
Classification: Benign for WIPI2-related condition. Last evaluated: 2019-12-03. Review status: no assertion criteria provided. Collection method: clinical testing. Allele origin: germline.
Comment: This variant is classified as benign based on ACMG/AMP sequence variant interpretation guidelines (Richards et al. 2015 PMID: 25741868, with internal and published modifications).

NM_015610.4(WIPI2):c.597G>A (p.Pro199=)

Gene: WIPI2 (WD repeat domain, phosphoinositide interacting 2; plus strand). Cytogenetic location: 7p22.1.
Variant type: single nucleotide variant.
Coding change: c.597G>A on transcript NM_015610.4 (MANE Select); coding-DNA position 597, G replaced by A.
Protein change: p.Pro199=; no amino-acid change (proline 199 retained).
Molecular consequence: synonymous variant.
Genome position (GRCh38, 1-based): chr7:5,217,942, G>A. VCF-style: chr7-5217942-G-A. GRCh37 (hg19) VCF-style: chr7-5257573-G-A.
Other names: c.597G>A, p.Pro199= (NM_001033518.2); c.543G>A, p.Pro181= (NM_001033519.2, NM_016003.4); c.420G>A, p.Pro140= (NM_001033520.1); c.165G>A, p.Pro55= (NM_001278299.2).
Identifiers: ClinVar variation 3059569 (VCV003059569.2), dbSNP rs1134489, ClinGen allele CA4141775.